The following is an entry in ClinVar:

NM_003190.5(TAPBP):c.1268T>C (p.Leu423Pro)

Gene: TAPBP (TAP binding protein; minus strand). Cytogenetic location: 6p21.32.
Variant type: single nucleotide variant.
Coding change: c.1268T>C on transcript NM_003190.5 (MANE Select); coding-DNA position 1268, T replaced by C.
Protein change: p.Leu423Pro; replaces leucine 423 with proline.
Molecular consequence: missense variant.
Genome position (GRCh38, 1-based): chr6:33,304,160, A>G on the plus strand (T>C on the coding strand, the complement: TAPBP is on the minus strand). VCF-style: chr6-33304160-A-G. GRCh37 (hg19) VCF-style: chr6-33271937-A-G.
Other names: c.1268T>C, p.Leu423Pro (NM_172208.3); c.1007T>C, p.Leu336Pro (NM_172209.3); short protein forms L336P, L423P.
Identifiers: ClinVar variation 1042974 (VCV001042974.9), dbSNP rs1768780166, ClinGen allele CA363686958.

ClinVar aggregate classification (germline): Uncertain significance (1 of 4 stars; one submission).

Conditions:
MHC class I deficiency. Identifiers: Orphanet 34592, MedGen C6024714, MONDO:0011476.

Allele frequency attached by ClinVar (database versions not stated): gnomAD exomes below 0.00001.

Submission:

Labcorp Genetics (formerly Invitae), Labcorp
Classification: Uncertain significance for MHC class I deficiency 1. Last evaluated: 2020-01-31. Review status: criteria provided, single submitter. Criteria: Invitae Variant Classification Sherloc (09022015). Collection method: clinical testing. Allele origin: germline.
Comment: In summary, the available evidence is currently insufficient to determine the role of this variant in disease. Therefore, it has been classified as a Variant of Uncertain Significance. Algorithms developed to predict the effect of missense changes on protein structure and function (SIFT, PolyPhen-2, Align-GVGD) all suggest that this variant is likely to be disruptive, but these predictions have not been confirmed by published functional studies and their clinical significance is uncertain. This variant has not been reported in the literature in individuals with TAPBP-related conditions. This variant is not present in population databases (ExAC no frequency). This sequence change replaces leucine with proline at codon 423 of the TAPBP protein (p.Leu423Pro). The leucine residue is highly conserved and there is a moderate physicochemical difference between leucine and proline.